The following is an entry in ClinVar:

NM_001384140.1(PCDH15):c.176A>G (p.Asn59Ser)

Gene: PCDH15 (protocadherin related 15; minus strand). Cytogenetic location: 10q21.1.
Variant type: single nucleotide variant.
Coding change: c.176A>G on transcript NM_001384140.1 (MANE Select); coding-DNA position 176, A replaced by G.
Protein change: p.Asn59Ser; replaces asparagine 59 with serine.
Molecular consequence: missense variant.
Genome position (GRCh38, 1-based): chr10:54,378,924, T>C on the plus strand (A>G on the coding strand, the complement: PCDH15 is on the minus strand). VCF-style: chr10-54378924-T-C. GRCh37 (hg19) VCF-style: chr10-56138684-T-C.
Other names: c.191A>G, p.Asn64Ser (NM_001142763.2, NM_001142769.4, NM_001142771.2); c.176A>G, p.Asn59Ser (NM_001142764.2, NM_001142765.2, NM_001142766.2 and 8 more transcripts); c.110A>G, p.Asn37Ser (NM_001142768.2, NM_001142773.2, NM_001354404.2); short protein forms N59S, N37S, N64S.
Identifiers: ClinVar variation 1415995 (VCV001415995.7), dbSNP rs1948831467, ClinGen allele CA376540709.

ClinVar aggregate classification (germline): Uncertain significance. Review status: criteria provided, multiple submitters, no conflicts (2 of 4 stars). 2 submissions from 2 submitters: Uncertain significance (2). Last evaluated 2025-08-19.

Conditions:
Inborn genetic diseases. Identifiers: MedGen C0950123, MeSH D030342.

Allele frequency attached by ClinVar (database versions not stated): TOPMed below 0.00001.

Submissions (2):

Ambry Genetics
Classification: Uncertain significance for Inborn genetic diseases. Last evaluated: 2025-08-19. Review status: criteria provided, single submitter. Criteria: Ambry Variant Classification Scheme 2023. Collection method: clinical testing. Allele origin: germline.

Labcorp Genetics (formerly Invitae), Labcorp
Classification: Uncertain significance. Last evaluated: 2023-07-07. Review status: criteria provided, single submitter. Criteria: Invitae Variant Classification Sherloc (09022015). Collection method: clinical testing. Allele origin: germline.
Comment: This sequence change replaces asparagine, which is neutral and polar, with serine, which is neutral and polar, at codon 59 of the PCDH15 protein (p.Asn59Ser). This variant is not present in population databases (gnomAD no frequency). This variant has not been reported in the literature in individuals affected with PCDH15-related conditions. ClinVar contains an entry for this variant (Variation ID: 1415995). Advanced modeling of protein sequence and biophysical properties (such as structural, functional, and spatial information, amino acid conservation, physicochemical variation, residue mobility, and thermodynamic stability) performed at Invitae indicates that this missense variant is not expected to disrupt PCDH15 protein function. In summary, the available evidence is currently insufficient to determine the role of this variant in disease. Therefore, it has been classified as a Variant of Uncertain Significance.